The following is an entry in ClinVar:

ClinVar aggregate classification (germline): Uncertain significance (1 of 4 stars; one submission).

Conditions:
Immunodeficiency 104. Also called: Severe combined immunodeficiency, autosomal recessive, T cell-negative, B cell-positive, NK cell-positive; IMMUNODEFICIENCY 104, SEVERE COMBINED; Severe Combined Immune Deficiency, Autosomal Recessive, TCell -Negative, B Cell-Positive, NK Cell-Positive, IL7R-Related; SCID, AUTOSOMAL RECESSIVE, T CELL-NEGATIVE, B CELL-POSITIVE, NK CELL-POSITIVE. Identifiers: MedGen C5676890, MONDO:0012163, OMIM 608971.

Allele frequency attached by ClinVar (database versions not stated): gnomAD exomes below 0.00001 and 0.00001.
gnomAD v4.1: 9 of 1,596,364 alleles (0.00056%); highest among the groups gnomAD compares: South Asian, 0.0011%; no homozygotes.

Submission:

Labcorp Genetics (formerly Invitae), Labcorp
Classification: Uncertain significance for Immunodeficiency 104. Last evaluated: 2020-05-20. Review status: criteria provided, single submitter. Criteria: Invitae Variant Classification Sherloc (09022015). Collection method: clinical testing. Allele origin: germline.
Comment: This variant has not been reported in the literature in individuals with PTPRC-related conditions. In summary, the available evidence is currently insufficient to determine the role of this variant in disease. Therefore, it has been classified as a Variant of Uncertain Significance. Algorithms developed to predict the effect of missense changes on protein structure and function (SIFT, PolyPhen-2, Align-GVGD) all suggest that this variant is likely to be disruptive, but these predictions have not been confirmed by published functional studies and their clinical significance is uncertain. This variant is not present in population databases (ExAC no frequency). This sequence change replaces asparagine with serine at codon 760 of the PTPRC protein (p.Asn760Ser). The asparagine residue is highly conserved and there is a small physicochemical difference between asparagine and serine.

NM_002838.5(PTPRC):c.2279A>G (p.Asn760Ser)

Gene: PTPRC (protein tyrosine phosphatase receptor type C; plus strand). Cytogenetic location: 1q32.1.
Variant type: single nucleotide variant.
Coding change: c.2279A>G on transcript NM_002838.5 (MANE Select); coding-DNA position 2279, A replaced by G.
Protein change: p.Asn760Ser; replaces asparagine 760 with serine.
Molecular consequence: missense variant.
Genome position (GRCh38, 1-based): chr1:198,735,128, A>G. VCF-style: chr1-198735128-A-G. GRCh37 (hg19) VCF-style: chr1-198704257-A-G.
Other names: c.1796A>G, p.Asn599Ser (NM_080921.4); short protein forms N599S, N760S.
Identifiers: ClinVar variation 1056021 (VCV001056021.9), dbSNP rs1389586846, ClinGen allele CA344048405.